The following is an entry in ClinVar:

ClinVar aggregate classification (germline): Uncertain significance (1 of 4 stars; one submission).

Allele frequency attached by ClinVar (database versions not stated): gnomAD exomes below 0.00001; TOPMed 0.00001.
gnomAD v4.1: 1 of 1,614,102 alleles (0.000062%); highest among the groups gnomAD compares: Admixed American, 0.0017%; no homozygotes.

Submission:

Labcorp Genetics (formerly Invitae), Labcorp
Classification: Uncertain significance. Last evaluated: 2023-07-07. Review status: criteria provided, single submitter. Criteria: Invitae Variant Classification Sherloc (09022015). Collection method: clinical testing. Allele origin: germline.
Comment: This sequence change replaces tyrosine, which is neutral and polar, with histidine, which is basic and polar, at codon 882 of the PRPF6 protein (p.Tyr882His). This variant is not present in population databases (gnomAD no frequency). This variant has not been reported in the literature in individuals affected with PRPF6-related conditions. Advanced modeling of protein sequence and biophysical properties (such as structural, functional, and spatial information, amino acid conservation, physicochemical variation, residue mobility, and thermodynamic stability) performed at Invitae indicates that this missense variant is expected to disrupt PRPF6 protein function. In summary, the available evidence is currently insufficient to determine the role of this variant in disease. Therefore, it has been classified as a Variant of Uncertain Significance.

NM_012469.4(PRPF6):c.2644T>C (p.Tyr882His)

Gene: PRPF6 (pre-mRNA processing factor 6; plus strand). Cytogenetic location: 20q13.33.
Variant type: single nucleotide variant.
Coding change: c.2644T>C on transcript NM_012469.4 (MANE Select); coding-DNA position 2644, T replaced by C.
Protein change: p.Tyr882His; replaces tyrosine 882 with histidine.
Molecular consequence: missense variant.
Genome position (GRCh38, 1-based): chr20:64,032,015, T>C. VCF-style: chr20-64032015-T-C. GRCh37 (hg19) VCF-style: chr20-62663368-T-C.
Other names: short protein forms Y882H.
Identifiers: ClinVar variation 2815968 (VCV002815968.3), dbSNP rs2059316906, ClinGen allele CA409746513.